The following is an entry in ClinVar:

ClinVar aggregate classification (germline): Conflicting classifications of pathogenicity. Review status: criteria provided, conflicting classifications (1 of 4 stars). 3 submissions from 3 submitters: Uncertain significance (2); Likely benign (1). Last evaluated 2026-08-06.

Conditions:
Colorectal cancer, susceptibility to, 12 (CRCS12). Also called: COLORECTAL CANCER, SUSCEPTIBILITY TO, ON CHROMOSOME 12q24. Identifiers: Orphanet 220460, MedGen C3554460, MONDO:0014038, OMIM 615083.
Hereditary cancer. Identifiers: MedGen C1333600.

Submissions (3):

OLLIN Analises Genomicas, OLLIN
Classification: Uncertain significance for Colorectal cancer, susceptibility to, 12. Last evaluated: 2026-08-06. Review status: criteria provided, single submitter. Criteria: ACMG Guidelines 2015 PMID 25741868. Collection method: clinical testing. Allele origin: germline. Inheritance: Autosomal recessive inheritance.
Comment: This missense variant, located in exon 15 (of 49), is absent from gnomAD and has not been identified in the literature. However, it has been reported in ClinVar (accession VCV000574265.5). In silico analysis is inconclusive regarding the impact of this variant. According to the currently available evidence, this variant has been classified as uncertain significance (PM2_P).

Labcorp Genetics (formerly Invitae), Labcorp
Classification: Uncertain significance. Last evaluated: 2024-04-05. Review status: criteria provided, single submitter. Criteria: Invitae Variant Classification Sherloc (09022015). Collection method: clinical testing. Allele origin: germline.
Comment: This sequence change replaces valine, which is neutral and non-polar, with alanine, which is neutral and non-polar, at codon 507 of the POLE protein (p.Val507Ala). This variant is not present in population databases (gnomAD no frequency). This variant has not been reported in the literature in individuals affected with POLE-related conditions. ClinVar contains an entry for this variant (Variation ID: 574265). Advanced modeling of protein sequence and biophysical properties (such as structural, functional, and spatial information, amino acid conservation, physicochemical variation, residue mobility, and thermodynamic stability) performed at Invitae indicates that this missense variant is not expected to disrupt POLE protein function with a negative predictive value of 80%. In summary, the available evidence is currently insufficient to determine the role of this variant in disease. Therefore, it has been classified as a Variant of Uncertain Significance.

Mendelics
Classification: Likely benign for Hereditary cancer. Last evaluated: 2024-01-23. Review status: criteria provided, single submitter. Criteria: ACMG Guidelines, 2015. Collection method: clinical testing. Allele origin: unknown.

NM_006231.4(POLE):c.1520T>C (p.Val507Ala)

Gene: POLE (DNA polymerase epsilon, catalytic subunit; minus strand). Cytogenetic location: 12q24.33.
Variant type: single nucleotide variant.
Coding change: c.1520T>C on transcript NM_006231.4 (MANE Select); coding-DNA position 1520, T replaced by C.
Protein change: p.Val507Ala; replaces valine 507 with alanine.
Molecular consequence: missense variant.
Genome position (GRCh38, 1-based): chr12:132,672,793, A>G on the plus strand (T>C on the coding strand, the complement: POLE is on the minus strand). VCF-style: chr12-132672793-A-G. GRCh37 (hg19) VCF-style: chr12-133249379-A-G.
Other names: short protein forms V507A.
Identifiers: ClinVar variation 574265 (VCV000574265.6), dbSNP rs904849438, ClinGen allele CA246293661.